The following is an entry in ClinVar:

NM_004656.4(BAP1):c.249_255+15delinsAGACC

Gene: BAP1 (BRCA1 associated deubiquitinase 1; minus strand). Cytogenetic location: 3p21.1.
Variant type: Indel.
Coding change: c.249_255+15delinsAGACC on transcript NM_004656.4 (MANE Select); coding-DNA position 249 through 15 bases into the intron after coding-DNA position 255, CCACCAGGTCTGCTGGACTCTG replaced by AGACC.
Molecular consequence: splice donor variant.
Genome position (GRCh38, 1-based): chr3:52,408,459-52,408,480, CAGAGTCCAGCAGACCTGGTGG replaced by GGTCT on the plus strand (CCACCAGGTCTGCTGGACTCTG replaced by AGACC on the coding strand, the reverse complement: BAP1 is on the minus strand). VCF-style: chr3-52408459-CAGAGTCCAGCAGACCTGGTGG-GGTCT. GRCh37 (hg19) VCF-style: chr3-52442475-CAGAGTCCAGCAGACCTGGTGG-GGTCT.
Identifiers: ClinVar variation 1792055 (VCV001792055.2), dbSNP rs2471356841, ClinGen allele CA2580070307.

ClinVar aggregate classification (germline): Likely pathogenic (1 of 4 stars; one submission).

Conditions:
Hereditary cancer-predisposing syndrome. Also called: Hereditary Cancer Syndrome; Hereditary neoplastic syndrome; Tumor predisposition; Neoplastic Syndromes, Hereditary. Identifiers: Orphanet 140162, MedGen C0027672, MeSH D009386, MONDO:0015356.

Submission:

Ambry Genetics
Classification: Likely pathogenic for Hereditary cancer-predisposing syndrome. Last evaluated: 2017-04-06. Review status: criteria provided, single submitter. Criteria: Ambry Variant Classification Scheme 2023. Collection method: clinical testing. Allele origin: germline.
Comment: The c.249_255+15del22insAGACC variant results from the deletion of 22 nucleotides and the insertion of 5 nucleotides at positions c.249 to c.255+15. This variant is located at an exon-intron boundary and removes the canonical splice donor site of coding exon 4 of the BAP1 gene. Using the BDGP and ESEfinder splice site prediction tools, this alteration is predicted to abolish the native donor splice site; however, direct evidence is unavailable. Alterations that disrupt the canonical splice site are expected to cause aberrant splicing, resulting in an abnormal protein or a transcript that is subject to nonsense-mediated mRNA decay. As such, this alteration is classified as likely pathogenic.